The following is an entry in ClinVar:

ClinVar aggregate classification (germline): Uncertain significance (1 of 4 stars; one submission).

Submission:

Ambry Genetics
Classification: Uncertain significance. Last evaluated: 2024-03-16. Review status: criteria provided, single submitter. Criteria: Ambry Variant Classification Scheme 2023. Collection method: clinical testing. Allele origin: germline.
Comment: The p.M713I variant (also known as c.2139G>A), located in coding exon 13 of the POLQ gene, results from a G to A substitution at nucleotide position 2139. The methionine at codon 713 is replaced by isoleucine, an amino acid with highly similar properties. This amino acid position is conserved. In addition, this alteration is predicted to be tolerated by in silico analysis. Since supporting evidence is limited at this time, the clinical significance of this alteration remains unclear.

NM_199420.4(POLQ):c.2139G>A (p.Met713Ile)

Gene: POLQ (DNA polymerase theta; minus strand). Cytogenetic location: 3q13.33.
Variant type: single nucleotide variant.
Coding change: c.2139G>A on transcript NM_199420.4 (MANE Select); coding-DNA position 2139, G replaced by A.
Protein change: p.Met713Ile; replaces methionine 713 with isoleucine.
Molecular consequence: missense variant.
Genome position (GRCh38, 1-based): chr3:121,498,491, C>T on the plus strand (G>A on the coding strand, the complement: POLQ is on the minus strand). VCF-style: chr3-121498491-C-T. GRCh37 (hg19) VCF-style: chr3-121217338-C-T.
Other names: short protein forms M713I.
Identifiers: ClinVar variation 1786518 (VCV001786518.2), dbSNP rs2546794656, ClinGen allele CA354109678.
Genomic context (GRCh38, chr3:121,498,491, plus strand): 5'-AGACACTGTGTTAAATACCGGAGAGCCCAGAGACCTTGACGTTTACCTTTTATGGATGGC[C>T]ATTTGTCGATGCTGTCTCTCAGTTCTGGCTACTACTTTTCCTTTCACACAACGGGCCAAG-3'
Protein context (NP_955452.3, residues 703-723): VARTERQHRQ[Met713Ile]AIHKRFFTSL